The following is an entry in ClinVar:

NM_005076.5(CNTN2):c.1425A>G (p.Ile475Met)

Gene: CNTN2 (contactin 2; plus strand). Cytogenetic location: 1q32.1.
Variant type: single nucleotide variant.
Coding change: c.1425A>G on transcript NM_005076.5 (MANE Select); coding-DNA position 1425, A replaced by G.
Protein change: p.Ile475Met; replaces isoleucine 475 with methionine.
Molecular consequence: missense variant. On other transcripts: non-coding transcript variant (1).
Genome position (GRCh38, 1-based): chr1:205,064,656, A>G. VCF-style: chr1-205064656-A-G. GRCh37 (hg19) VCF-style: chr1-205033784-A-G.
Other names: c.1425A>G, p.Ile475Met (NM_001346083.2); short protein forms I475M.
Identifiers: ClinVar variation 955936 (VCV000955936.8), dbSNP rs149065585, ClinGen allele CA1351384.

ClinVar aggregate classification (germline): Uncertain significance (1 of 4 stars; one submission).

Conditions:
Epilepsy, familial adult myoclonic, 5 (EPEO5). Also called: CORTICAL MYOCLONIC TREMOR WITH EPILEPSY, FAMILIAL, 5. Identifiers: Orphanet 86814, MedGen C3809374, MONDO:0014167, OMIM 615400.

Allele frequency attached by ClinVar (database versions not stated): gnomAD exomes 0.00002 and 0.00007; gnomAD 0.00003 and 0.00004; TOPMed 0.00005; ExAC 0.00006; ESP Exome Variant Server 0.00008.
gnomAD v4.1: 39 of 1,614,058 alleles (0.0024%); highest among the groups gnomAD compares: South Asian, 0.033%; 1 homozygote.

Submission:

Labcorp Genetics (formerly Invitae), Labcorp
Classification: Uncertain significance for Epilepsy, familial adult myoclonic, 5. Last evaluated: 2024-12-16. Review status: criteria provided, single submitter. Criteria: Invitae Variant Classification Sherloc (09022015). Collection method: clinical testing. Allele origin: germline.
Comment: This sequence change replaces isoleucine, which is neutral and non-polar, with methionine, which is neutral and non-polar, at codon 475 of the CNTN2 protein (p.Ile475Met). This variant is present in population databases (rs149065585, gnomAD 0.06%). This variant has not been reported in the literature in individuals affected with CNTN2-related conditions. ClinVar contains an entry for this variant (Variation ID: 955936). Invitae Evidence Modeling of protein sequence and biophysical properties (such as structural, functional, and spatial information, amino acid conservation, physicochemical variation, residue mobility, and thermodynamic stability) indicates that this missense variant is not expected to disrupt CNTN2 protein function with a negative predictive value of 95%. In summary, the available evidence is currently insufficient to determine the role of this variant in disease. Therefore, it has been classified as a Variant of Uncertain Significance.